The following is an entry in ClinVar:

NM_001807.6(CEL):c.2211C>G (p.Pro737=)

Gene: CEL (carboxyl ester lipase; plus strand). Cytogenetic location: 9q34.13.
Variant type: single nucleotide variant.
Coding change: c.2211C>G on transcript NM_001807.6 (MANE Select); coding-DNA position 2211, C replaced by G.
Protein change: p.Pro737=; no amino-acid change (proline 737 retained).
Molecular consequence: synonymous variant.
Genome position (GRCh38, 1-based): chr9:133,071,713, C>G. VCF-style: chr9-133071713-C-G. GRCh37 (hg19) VCF-style: chr9-135947100-C-G.
Identifiers: ClinVar variation 4533797 (VCV004533797.6).

ClinVar aggregate classification (germline): Likely benign (1 of 4 stars; one submission).

Submission:

CeGaT Center for Human Genetics Tuebingen
Classification: Likely benign. Last evaluated: 2025-11-01. Review status: criteria provided, single submitter. Criteria: CeGaT Center For Human Genetics Tuebingen Variant Classification Criteria Version 2. Collection method: clinical testing. Allele origin: germline. Affected: yes. Observed: 1 variant allele.
Comment: CEL: BP4, BP7